The following is an entry in ClinVar:

ClinVar aggregate classification (germline): Likely benign. Review status: criteria provided, single submitter (1 of 4 stars). 2 submissions from 2 submitters: Likely benign (1). 1 of the submissions does not count toward it. Last evaluated 2024-11-21.

Conditions:
DNMBP-related disorder. Also called: DNMBP-related condition.

Allele frequency attached by ClinVar (database versions not stated): 1000 Genomes Project 0.00060; 1000 Genomes Project 30x 0.00078; gnomAD 0.00086; ESP Exome Variant Server 0.00092; ExAC 0.00100; gnomAD exomes 0.00119; TOPMed 0.00129.
gnomAD v4.1: 1,891 of 1,614,102 alleles (0.12%); highest among the groups gnomAD compares: Admixed American, 0.26%; 1 homozygote.

Submissions (2):

Blueprint Genetics
Classification: Likely benign. Last evaluated: 2024-11-21. Review status: criteria provided, single submitter. Criteria: ACMG Guidelines, 2015. Collection method: clinical testing. Allele origin: germline.

PreventionGenetics, part of Exact Sciences
Classification: Likely benign for DNMBP-related condition. Last evaluated: 2019-06-07. Review status: no assertion criteria provided. Collection method: clinical testing. Allele origin: germline. Not counted in ClinVar's aggregate classification.
Comment: This variant is classified as likely benign based on ACMG/AMP sequence variant interpretation guidelines (Richards et al. 2015 PMID: 25741868, with internal and published modifications).

NM_015221.4(DNMBP):c.4101C>T (p.His1367=)

Gene: DNMBP (dynamin binding protein; minus strand). Cytogenetic location: 10q24.2.
Variant type: single nucleotide variant.
Coding change: c.4101C>T on transcript NM_015221.4 (MANE Select); coding-DNA position 4101, C replaced by T.
Protein change: p.His1367=; no amino-acid change (histidine 1367 retained).
Molecular consequence: synonymous variant.
Genome position (GRCh38, 1-based): chr10:99,880,258, G>A on the plus strand (C>T on the coding strand, the complement: DNMBP is on the minus strand). VCF-style: chr10-99880258-G-A. GRCh37 (hg19) VCF-style: chr10-101640015-G-A.
Other names: c.2997C>T, p.His999= (NM_001318326.2); c.1839C>T, p.His613= (NM_001318327.2).
Identifiers: ClinVar variation 3044155 (VCV003044155.3), dbSNP rs141646596, ClinGen allele CA5644358.